The following is an entry in ClinVar:

ClinVar aggregate classification (germline): Uncertain significance (1 of 4 stars; one submission).

gnomAD v4.1: 1 of 1,614,216 alleles (0.000062%); highest among the groups gnomAD compares: Non-Finnish European, 0.000085%; no homozygotes.

Submission:

GeneDx
Classification: Uncertain significance. Last evaluated: 2024-08-29. Review status: criteria provided, single submitter. Criteria: GeneDx Variant Classification Process June 2021. Collection method: clinical testing. Allele origin: germline. Affected: yes.
Comment: Not observed at significant frequency in large population cohorts (gnomAD); In silico analysis supports that this missense variant has a deleterious effect on protein structure/function; Has not been previously published as pathogenic or benign to our knowledge

NM_001429.4(EP300):c.1745A>G (p.His582Arg)

Gene: EP300 (E1A binding protein p300; plus strand). Cytogenetic location: 22q13.2.
Variant type: single nucleotide variant.
Coding change: c.1745A>G on transcript NM_001429.4 (MANE Select); coding-DNA position 1745, A replaced by G.
Protein change: p.His582Arg; replaces histidine 582 with arginine.
Molecular consequence: missense variant.
Genome position (GRCh38, 1-based): chr22:41,137,775, A>G. VCF-style: chr22-41137775-A-G. GRCh37 (hg19) VCF-style: chr22-41533779-A-G.
Other names: c.1745A>G, p.His582Arg (NM_001362843.2); short protein forms H582R.
Identifiers: ClinVar variation 3766155 (VCV003766155.1).